The following is an entry in ClinVar:

ClinVar aggregate classification (germline): Uncertain significance (1 of 4 stars; one submission).

Submission:

Labcorp Genetics (formerly Invitae), Labcorp
Classification: Uncertain significance. Last evaluated: 2023-03-08. Review status: criteria provided, single submitter. Criteria: Invitae Variant Classification Sherloc (09022015). Collection method: clinical testing. Allele origin: germline.
Comment: In summary, the available evidence is currently insufficient to determine the role of this variant in disease. Therefore, it has been classified as a Variant of Uncertain Significance. Advanced modeling of protein sequence and biophysical properties (such as structural, functional, and spatial information, amino acid conservation, physicochemical variation, residue mobility, and thermodynamic stability) performed at Invitae indicates that this missense variant is not expected to disrupt NBAS protein function. This variant has not been reported in the literature in individuals affected with NBAS-related conditions. This variant is present in population databases (no rsID available, gnomAD 0.0009%). This sequence change replaces leucine, which is neutral and non-polar, with glutamine, which is neutral and polar, at codon 879 of the NBAS protein (p.Leu879Gln).

NM_015909.4(NBAS):c.2636T>A (p.Leu879Gln)

Gene: NBAS (NBAS subunit of NRZ tethering complex; minus strand). Cytogenetic location: 2p24.3.
Variant type: single nucleotide variant.
Coding change: c.2636T>A on transcript NM_015909.4 (MANE Select); coding-DNA position 2636, T replaced by A.
Protein change: p.Leu879Gln; replaces leucine 879 with glutamine.
Molecular consequence: missense variant. On other transcripts: non-coding transcript variant (1).
Genome position (GRCh38, 1-based): chr2:15,417,654, A>T on the plus strand (T>A on the coding strand, the complement: NBAS is on the minus strand). VCF-style: chr2-15417654-A-T. GRCh37 (hg19) VCF-style: chr2-15557778-A-T.
Other names: short protein forms L879Q.
Identifiers: ClinVar variation 2844272 (VCV002844272.3), dbSNP rs1344220299, ClinGen allele CA345887015.
Genomic context (GRCh38, chr2:15,417,654, plus strand): 5'-ACATCACACCTGGCTTCATAAACCAATGTTTCCAGAGTAACCAAATTGTCACAGAGAACC[A>T]GCAAACCAGGAATATTCCGCTCCATCCCAAGTCGAATAAGTGACAATGCACAGTCCACCT-3'
Protein context (NP_056993.2, residues 869-889): LGMERNIPGL[Leu879Gln]VLCDNLVTLE